The following is an entry in ClinVar:

ClinVar aggregate classification (germline): Likely benign. Review status: criteria provided, multiple submitters, no conflicts (2 of 4 stars). 4 submissions from 4 submitters: Likely benign (4). Last evaluated 2026-01-20.

Conditions:
Schimke immuno-osseous dysplasia (SIOD). Also called: Schimke Immunoosseous Dysplasia. Identifiers: Orphanet 1830, MedGen C0877024, MONDO:0009458, OMIM 242900.

Allele frequency attached by ClinVar (database versions not stated): ExAC 0.00004; gnomAD exomes 0.00004 and 0.00003; ESP Exome Variant Server 0.00008; TOPMed 0.00001.
gnomAD v4.1: 43 of 1,614,236 alleles (0.0027%); highest among the groups gnomAD compares: Middle Eastern, 0.017%; no homozygotes.

Submissions (4):

Labcorp Genetics (formerly Invitae), Labcorp
Classification: Likely benign for Schimke immuno-osseous dysplasia. Last evaluated: 2026-01-20. Review status: criteria provided, single submitter. Criteria: Invitae Variant Classification Sherloc (09022015). Collection method: clinical testing. Allele origin: germline.

Mayo Clinic Laboratories, Mayo Clinic
Classification: Likely benign. Last evaluated: 2025-09-17. Review status: criteria provided, single submitter. Criteria: ACMG Guidelines, 2015. Collection method: clinical testing. Allele origin: germline. Observed: 1 variant allele.
Comment: BP4, BP7

CeGaT Center for Human Genetics Tuebingen
Classification: Likely benign. Last evaluated: 2023-08-01. Review status: criteria provided, single submitter. Criteria: CeGaT Center For Human Genetics Tuebingen Variant Classification Criteria Version 2. Collection method: clinical testing. Allele origin: germline. Affected: yes. Observed: 1 variant allele.
Comment: SMARCAL1: BP4, BP7

Fulgent Genetics
Classification: Likely benign for Schimke immuno-osseous dysplasia. Last evaluated: 2021-09-21. Review status: criteria provided, single submitter. Criteria: ACMG Guidelines, 2015. Collection method: clinical testing. Allele origin: unknown.

NM_014140.4(SMARCAL1):c.1908G>A (p.Leu636=)

Gene: SMARCAL1 (SNF2 related chromatin remodeling annealing helicase 1; plus strand). Cytogenetic location: 2q35.
Variant type: single nucleotide variant.
Coding change: c.1908G>A on transcript NM_014140.4 (MANE Select); coding-DNA position 1908, G replaced by A.
Protein change: p.Leu636=; no amino-acid change (leucine 636 retained).
Molecular consequence: synonymous variant.
Genome position (GRCh38, 1-based): chr2:216,450,902, G>A. VCF-style: chr2-216450902-G-A. GRCh37 (hg19) VCF-style: chr2-217315625-G-A.
Other names: p.Leu636=; c.1908G>A, p.Leu636= (NM_001127207.2).
Identifiers: ClinVar variation 749975 (VCV000749975.36), dbSNP rs375844575, ClinGen allele CA2098050.